The following is an entry in ClinVar:

ClinVar aggregate classification (germline): Uncertain significance (1 of 4 stars; one submission).

Conditions:
Arrhythmogenic right ventricular dysplasia 9 (ARVD9). Also called: Arrhythmogenic Right Ventricular Dysplasia/Cardiomyopathy 9; ARRHYTHMOGENIC RIGHT VENTRICULAR DYSPLASIA, FAMILIAL, 9. Identifiers: MedGen C1836906, MONDO:0012180, OMIM 609040.

Submission:

Labcorp Genetics (formerly Invitae), Labcorp
Classification: Uncertain significance for Arrhythmogenic right ventricular dysplasia 9. Last evaluated: 2022-05-22. Review status: criteria provided, single submitter. Criteria: Invitae Variant Classification Sherloc (09022015). Collection method: clinical testing. Allele origin: germline.
Comment: This variant results in a copy number gain of the genomic region encompassing exon(s) 1 of the PKP2 gene. This region includes the initiator codon of the gene. This copy number gain extends beyond the assayed region for this gene and therefore may encompass additional genes. As the precise location of this event is unknown, it may be in tandem or it may be located elsewhere in the genome. A similar copy number variant has been observed in individual(s) with clinical features of arrhythmogenic cardiomyopathy (PMID: 29038103). Experimental studies and prediction algorithms are not available or were not evaluated, and the functional significance of this variant is currently unknown. In summary, the available evidence is currently insufficient to determine the role of this variant in disease. Therefore, it has been classified as a Variant of Uncertain Significance.

Literature cited by the submitters: PubMed 29038103.

NC_000012.11:g.(?_33049423)_(33049665_?)dup

Gene: PKP2 (plakophilin 2; minus strand). Cytogenetic location: 12p11.21.
Variant type: Duplication.
Identifiers: ClinVar variation 1374913 (VCV001374913.4).